The following is an entry in ClinVar:

NM_004064.5(CDKN1B):c.169C>T (p.Gln57Ter)

Gene: CDKN1B (cyclin dependent kinase inhibitor 1B; plus strand). Cytogenetic location: 12p13.1.
Variant type: single nucleotide variant.
Coding change: c.169C>T on transcript NM_004064.5 (MANE Select); coding-DNA position 169, C replaced by T.
Protein change: p.Gln57Ter; replaces glutamine 57 with a stop codon.
Molecular consequence: nonsense.
Genome position (GRCh38, 1-based): chr12:12,718,008, C>T. VCF-style: chr12-12718008-C-T. GRCh37 (hg19) VCF-style: chr12-12870942-C-T.
Other names: short protein forms Q57*.
Identifiers: ClinVar variation 2585892 (VCV002585892.4), dbSNP rs2136355696, ClinGen allele CA383969175.

ClinVar aggregate classification (germline): Pathogenic/Likely pathogenic. Review status: criteria provided, multiple submitters, no conflicts (2 of 4 stars). 3 submissions from 3 submitters: Pathogenic (2); Likely pathogenic (1). Last evaluated 2025-09-30.

Conditions:
CDKN1B-related disorder. Also called: CDKN1B-related condition.
Multiple endocrine neoplasia type 4. Also called: MULTIPLE ENDOCRINE NEOPLASIA, TYPE IV. Identifiers: Orphanet 276152, MedGen C1970712, MONDO:0012552, OMIM 610755.
Hereditary cancer-predisposing syndrome. Also called: Tumor predisposition; Neoplastic Syndromes, Hereditary; Hereditary Cancer Syndrome; Hereditary neoplastic syndrome. Identifiers: Orphanet 140162, MedGen C0027672, MeSH D009386, MONDO:0015356.

Submissions (3):

Labcorp Genetics (formerly Invitae), Labcorp
Classification: Pathogenic for Multiple endocrine neoplasia type 4. Last evaluated: 2025-09-30. Review status: criteria provided, single submitter. Criteria: Invitae Variant Classification Sherloc (09022015). Collection method: clinical testing. Allele origin: germline.
Comment: This sequence change creates a premature translational stop signal (p.Gln57*) in the CDKN1B gene. It is expected to result in an absent or disrupted protein product. Loss-of-function variants in CDKN1B are known to be pathogenic (PMID: 17030811, 24819502). This variant is not present in population databases (gnomAD no frequency). This premature translational stop signal has been observed in individual(s) with clinical features of multiple endocrine neoplasia 4 (PMID: 36334246). ClinVar contains an entry for this variant (Variation ID: 2585892). For these reasons, this variant has been classified as Pathogenic.

Ambry Genetics
Classification: Pathogenic for Hereditary cancer-predisposing syndrome. Last evaluated: 2023-06-15. Review status: criteria provided, single submitter. Criteria: Ambry Variant Classification Scheme 2023. Collection method: clinical testing. Allele origin: germline.
Comment: The p.Q57* pathogenic mutation (also known as c.169C>T), located in coding exon 1 of the CDKN1B gene, results from a C to T substitution at nucleotide position 169. This changes the amino acid from a glutamine to a stop codon within coding exon 1. This variant is considered to be rare based on population cohorts in the Genome Aggregation Database (gnomAD). This variant has been identified in a patient with parathyroid adenoma (Mazarico-Altisent I et al. J Endocrinol Invest, 2023 Apr;46:829-840). In addition to the clinical data presented in the literature, this alteration is expected to result in loss of function by premature protein truncation or nonsense-mediated mRNA decay. As such, this alteration is interpreted as a disease-causing mutation.

Blueprint Genetics
Classification: Likely pathogenic for CDKN1B-related disorders. Last evaluated: 2022-07-28. Review status: criteria provided, single submitter. Criteria: ACMG Guidelines, 2015. Collection method: clinical testing. Allele origin: germline. Affected: yes. Observed: 5 variant alleles.

Literature cited by the submitters: PubMed 17030811 (cited by Labcorp Genetics (formerly Invitae), Labcorp); PubMed 24819502 (cited by Labcorp Genetics (formerly Invitae), Labcorp); PubMed 36334246 (cited by Labcorp Genetics (formerly Invitae), Labcorp and Ambry Genetics).